The following is an entry in ClinVar:

NM_005204.4(MAP3K8):c.687A>T (p.Glu229Asp)

Gene: MAP3K8 (mitogen-activated protein kinase kinase kinase 8; plus strand). Cytogenetic location: 10p11.23.
Variant type: single nucleotide variant.
Coding change: c.687A>T on transcript NM_005204.4 (MANE Select); coding-DNA position 687, A replaced by T.
Protein change: p.Glu229Asp; replaces glutamic acid 229 with aspartic acid.
Molecular consequence: missense variant.
Genome position (GRCh38, 1-based): chr10:30,450,440, A>T. VCF-style: chr10-30450440-A-T. GRCh37 (hg19) VCF-style: chr10-30739369-A-T.
Other names: c.687A>T, p.Glu229Asp (NM_001244134.1, NM_001320961.2); short protein forms E229D.
Identifiers: ClinVar variation 2021350 (VCV002021350.4), dbSNP rs2538560719, ClinGen allele CA376438086.

ClinVar aggregate classification (germline): Uncertain significance (1 of 4 stars; one submission).

Submission:

Labcorp Genetics (formerly Invitae), Labcorp
Classification: Uncertain significance. Last evaluated: 2022-08-03. Review status: criteria provided, single submitter. Criteria: Invitae Variant Classification Sherloc (09022015). Collection method: clinical testing. Allele origin: germline.
Comment: This sequence change replaces glutamic acid, which is acidic and polar, with aspartic acid, which is acidic and polar, at codon 229 of the MAP3K8 protein (p.Glu229Asp). This variant is not present in population databases (gnomAD no frequency). This variant has not been reported in the literature in individuals affected with MAP3K8-related conditions. Algorithms developed to predict the effect of missense changes on protein structure and function (SIFT, PolyPhen-2, Align-GVGD) all suggest that this variant is likely to be disruptive. In summary, the available evidence is currently insufficient to determine the role of this variant in disease. Therefore, it has been classified as a Variant of Uncertain Significance.